The following is an entry in ClinVar:

ClinVar aggregate classification (germline): Pathogenic (1 of 4 stars; one submission).

Submission:

Labcorp Genetics (formerly Invitae), Labcorp
Classification: Pathogenic. Last evaluated: 2020-06-02. Review status: criteria provided, single submitter. Criteria: Invitae Variant Classification Sherloc (09022015). Collection method: clinical testing. Allele origin: germline.
Comment: This sequence change creates a premature translational stop signal (p.Tyr198*) in the PHEX gene. It is expected to result in an absent or disrupted protein product. This variant is not present in population databases (ExAC no frequency). This variant has not been reported in the literature in individuals with PHEX-related conditions. Loss-of-function variants in PHEX are known to be pathogenic (PMID: 9097956, 9106524, 19219621). For these reasons, this variant has been classified as Pathogenic.

Literature cited by the submitters: PubMed 9097956; PubMed 9106524; PubMed 19219621.

NM_000444.6(PHEX):c.593dup (p.Tyr198Ter)

Gene: PHEX (phosphate regulating endopeptidase X-linked; plus strand). Cytogenetic location: Xp22.11.
Variant type: Duplication.
Coding change: c.593dup on transcript NM_000444.6 (MANE Select); coding-DNA position 593, one base duplicated (A; older notation c.593dupA).
Protein change: p.Tyr198Ter; replaces tyrosine 198 with a stop codon.
Molecular consequence: nonsense.
Genome position (GRCh38, 1-based): chrX:22,077,632, A duplicated. VCF-style (leftmost placement, unchanged base first): chrX-22077631-T-TA. GRCh37 (hg19) VCF-style: chrX-22095749-T-TA.
Other names: c.593dup, p.Tyr198Ter (NM_001282754.2); short protein forms Y198*.
Identifiers: ClinVar variation 1074620 (VCV001074620.7), dbSNP rs2147020737, ClinGen allele CA2499226568.